The following is an entry in ClinVar:

NM_178822.5(IGSF10):c.3595T>G (p.Ser1199Ala)

Gene: IGSF10 (immunoglobulin superfamily member 10; minus strand). Cytogenetic location: 3q25.1.
Variant type: single nucleotide variant.
Coding change: c.3595T>G on transcript NM_178822.5 (MANE Select); coding-DNA position 3595, T replaced by G.
Protein change: p.Ser1199Ala; replaces serine 1199 with alanine.
Molecular consequence: missense variant.
Genome position (GRCh38, 1-based): chr3:151,446,386, A>C on the plus strand (T>G on the coding strand, the complement: IGSF10 is on the minus strand). VCF-style: chr3-151446386-A-C. GRCh37 (hg19) VCF-style: chr3-151164174-A-C.
Other names: c.3595T>G (NM_178822.4); c.3595T>G, p.Ser1199Ala (NM_001385060.1, NM_001385061.1, NM_001385062.1 and 1 more transcripts); short protein forms S1199A.
Identifiers: ClinVar variation 1611157 (VCV001611157.12), dbSNP rs16863403, ClinGen allele CA2670136.
Genomic context (GRCh38, chr3:151,446,386, plus strand): 5'-ATCTGCCTTTTGGGTTATGGTTATTTACAAAGTTCTGTTGCCAGGGAATTTTCCTTCTTG[A>C]AAACCTTGTAATGGCTATAATAGTCATTGGTGGCTTGGTGATAGCACCTGAAAGTGACGA-3'
Protein context (NP_849144.2, residues 1189-1209): PMTIIAITRF[Ser1199Ala]RRKIPWQQNF

ClinVar aggregate classification (germline): Benign. Review status: criteria provided, multiple submitters, no conflicts (2 of 4 stars). 3 submissions from 3 submitters: Benign (2). 1 of the submissions does not count toward it. Last evaluated 2026-01-26.

Conditions:
IGSF10-related disorder. Also called: IGSF10-related condition.

Allele frequency attached by ClinVar (database versions not stated): gnomAD exomes 0.01044 and 0.02245; ExAC 0.02316; ESP Exome Variant Server 0.03706; gnomAD 0.03936 and 0.04046; TOPMed 0.04136; 1000 Genomes Project 0.05931; 1000 Genomes Project 30x 0.06152.
gnomAD v4.1: 21,883 of 1,612,992 alleles (1.4%); highest among the groups gnomAD compares: African/African-American, 11%; 784 homozygotes.

Submissions (10):

Labcorp Genetics (formerly Invitae), Labcorp
Classification: Benign. Last evaluated: 2026-01-26. Review status: criteria provided, single submitter. Criteria: Invitae Variant Classification Sherloc (09022015). Collection method: clinical testing. Allele origin: germline.

Breakthrough Genomics
Classification: Benign. Review status: criteria provided, single submitter. Criteria: ACMG Guidelines, 2015. Collection method: not provided. Allele origin: germline. Inheritance: Unknown mechanism. Affected: yes.

PreventionGenetics, part of Exact Sciences
Classification: Benign for IGSF10-related condition. Last evaluated: 2019-10-21. Review status: no assertion criteria provided. Collection method: clinical testing. Allele origin: germline. Not counted in ClinVar's aggregate classification.
Comment: This variant is classified as benign based on ACMG/AMP sequence variant interpretation guidelines (Richards et al. 2015 PMID: 25741868, with internal and published modifications).

Dr. Peter K. Rogan Lab, Western University
No classification provided (evidence only). Condition: Lung cancer. Review status: no classification provided. Collection method: in vitro. Allele origin: not applicable. Functional consequence: retained intron. Not counted in ClinVar's aggregate classification.

Dr. Peter K. Rogan Lab, Western University
No classification provided (evidence only). Condition: Thyroid cancer, nonmedullary, 1. Review status: no classification provided. Collection method: in vitro. Allele origin: not applicable. Functional consequence: retained intron. Not counted in ClinVar's aggregate classification.

Dr. Peter K. Rogan Lab, Western University
No classification provided (evidence only). Condition: Uterine corpus endometrial carcinoma. Review status: no classification provided. Collection method: in vitro. Allele origin: not applicable. Functional consequence: retained intron. Not counted in ClinVar's aggregate classification.

Dr. Peter K. Rogan Lab, Western University
No classification provided (evidence only). Condition: Uterine corpus endometrial carcinoma. Review status: no classification provided. Collection method: in vitro. Allele origin: not applicable. Functional consequence: retained intron. Not counted in ClinVar's aggregate classification.

Dr. Peter K. Rogan Lab, Western University
No classification provided (evidence only). Condition: Uterine corpus endometrial carcinoma. Review status: no classification provided. Collection method: in vitro. Allele origin: not applicable. Functional consequence: retained intron. Not counted in ClinVar's aggregate classification.

Dr. Peter K. Rogan Lab, Western University
No classification provided (evidence only). Condition: Cervical cancer. Review status: no classification provided. Collection method: in vitro. Allele origin: not applicable. Functional consequence: retained intron. Not counted in ClinVar's aggregate classification.

Dr. Peter K. Rogan Lab, Western University
No classification provided (evidence only). Condition: Thymoma. Review status: no classification provided. Collection method: in vitro. Allele origin: not applicable. Functional consequence: retained intron. Not counted in ClinVar's aggregate classification.